The following is an entry in ClinVar:

NM_002103.5(GYS1):c.580C>T (p.Arg194Trp)

Gene: GYS1 (glycogen synthase 1; minus strand). Cytogenetic location: 19q13.33.
Variant type: single nucleotide variant.
Coding change: c.580C>T on transcript NM_002103.5 (MANE Select); coding-DNA position 580, C replaced by T.
Protein change: p.Arg194Trp; replaces arginine 194 with tryptophan.
Molecular consequence: missense variant. On other transcripts: non-coding transcript variant (1).
Genome position (GRCh38, 1-based): chr19:48,985,948, G>A on the plus strand (C>T on the coding strand, the complement: GYS1 is on the minus strand). VCF-style: chr19-48985948-G-A. GRCh37 (hg19) VCF-style: chr19-49489205-G-A.
Other names: c.388C>T, p.Arg130Trp (NM_001161587.2); short protein forms R194W, R130W.
Identifiers: ClinVar variation 1401803 (VCV001401803.8), dbSNP rs1455481597, ClinGen allele CA406765270.

ClinVar aggregate classification (germline): Uncertain significance (1 of 4 stars; one submission).

Conditions:
Glycogen storage disease due to muscle and heart glycogen synthase deficiency. Also called: GSD 0b; MUSCLE GLYCOGEN SYNTHASE DEFICIENCY. Identifiers: Orphanet 137625, MedGen C1969054, MONDO:0012693, OMIM 611556.

Allele frequency attached by ClinVar (database versions not stated): gnomAD exomes below 0.00001; TOPMed below 0.00001.
gnomAD v4.1: 2 of 1,614,134 alleles (0.00012%); highest among the groups gnomAD compares: Admixed American, 0.0017%; no homozygotes.

Submission:

Labcorp Genetics (formerly Invitae), Labcorp
Classification: Uncertain significance for Glycogen storage disease due to muscle and heart glycogen synthase deficiency. Last evaluated: 2022-07-25. Review status: criteria provided, single submitter. Criteria: Invitae Variant Classification Sherloc (09022015). Collection method: clinical testing. Allele origin: germline.
Comment: In summary, the available evidence is currently insufficient to determine the role of this variant in disease. Therefore, it has been classified as a Variant of Uncertain Significance. Algorithms developed to predict the effect of missense changes on protein structure and function are either unavailable or do not agree on the potential impact of this missense change (SIFT: "Tolerated"; PolyPhen-2: "Possibly Damaging"; Align-GVGD: "Class C0"). ClinVar contains an entry for this variant (Variation ID: 1401803). This variant has not been reported in the literature in individuals affected with GYS1-related conditions. This variant is present in population databases (no rsID available, gnomAD 0.003%). This sequence change replaces arginine, which is basic and polar, with tryptophan, which is neutral and slightly polar, at codon 194 of the GYS1 protein (p.Arg194Trp).